The following is an entry in ClinVar:

ClinVar aggregate classification (germline): Uncertain significance (1 of 4 stars; one submission).

Allele frequency attached by ClinVar (database versions not stated): ExAC 0.00001; gnomAD 0.00001; gnomAD exomes 0.00001; TOPMed 0.00002.
gnomAD v4.1: 13 of 1,613,950 alleles (0.00081%); highest among the groups gnomAD compares: East Asian, 0.0022%; no homozygotes.

Submission:

Labcorp Genetics (formerly Invitae), Labcorp
Classification: Uncertain significance. Last evaluated: 2026-01-06. Review status: criteria provided, single submitter. Criteria: Invitae Variant Classification Sherloc (09022015). Collection method: clinical testing. Allele origin: germline.
Comment: This sequence change replaces alanine, which is neutral and non-polar, with threonine, which is neutral and polar, at codon 556 of the NCSTN protein (p.Ala556Thr). This variant is present in population databases (rs766630439, gnomAD 0.005%). This variant has not been reported in the literature in individuals affected with NCSTN-related conditions. ClinVar contains an entry for this variant (Variation ID: 1925582). Invitae Evidence Modeling of protein sequence and biophysical properties (such as structural, functional, and spatial information, amino acid conservation, physicochemical variation, residue mobility, and thermodynamic stability) indicates that this missense variant is not expected to disrupt NCSTN protein function with a negative predictive value of 80%. In summary, the available evidence is currently insufficient to determine the role of this variant in disease. Therefore, it has been classified as a Variant of Uncertain Significance.

NM_015331.3(NCSTN):c.1666G>A (p.Ala556Thr)

Gene: NCSTN (nicastrin; plus strand). Cytogenetic location: 1q23.2.
Variant type: single nucleotide variant.
Coding change: c.1666G>A on transcript NM_015331.3 (MANE Select); coding-DNA position 1666, G replaced by A.
Protein change: p.Ala556Thr; replaces alanine 556 with threonine.
Molecular consequence: missense variant.
Genome position (GRCh38, 1-based): chr1:160,356,626, G>A. VCF-style: chr1-160356626-G-A. GRCh37 (hg19) VCF-style: chr1-160326416-G-A.
Other names: c.1606G>A, p.Ala536Thr (NM_001290184.2); c.1252G>A, p.Ala418Thr (NM_001290186.2); c.1666G>A, p.Ala556Thr (NM_001349729.2); short protein forms A418T, A536T, A556T.
Identifiers: ClinVar variation 1925582 (VCV001925582.5), dbSNP rs766630439, ClinGen allele CA1199079.